The following is an entry in ClinVar:

ClinVar aggregate classification (germline): Pathogenic (0 of 4 stars; one submission).

Conditions:
Abnormality of neuronal migration. Identifiers: MedGen C1837249, HP:0002269.

Submission:

Génétique et pathophysiologie de maladies neurodéveloppementales et épileptogènes, Institut de génétique et de biologie moléculaire et cellulaire
Classification: Pathogenic for Malformation of Cortical Development. Last evaluated: 2014-10-31. Review status: no assertion criteria provided. Collection method: clinical testing. Allele origin: maternal. Affected: yes. Observed: 2 heterozygotes, 6 homozygotes.

NM_001083961.2(WDR62):c.2030T>C (p.Leu677Pro)

Gene: WDR62 (WD repeat domain 62; plus strand). Cytogenetic location: 19q13.12.
Variant type: single nucleotide variant.
Coding change: c.2030T>C on transcript NM_001083961.2 (MANE Select); coding-DNA position 2030, T replaced by C.
Protein change: p.Leu677Pro; replaces leucine 677 with proline.
Molecular consequence: missense variant.
Genome position (GRCh38, 1-based): chr19:36,090,516, T>C. VCF-style: chr19-36090516-T-C. GRCh37 (hg19) VCF-style: chr19-36581418-T-C.
Other names: c.2030T>C, p.Leu677Pro (NM_173636.5); short protein forms L677P.
Identifiers: ClinVar variation 208910 (VCV000208910.1), dbSNP rs863223377, ClinGen allele CA056017.